The following is an entry in ClinVar:

ClinVar aggregate classification (germline): Pathogenic (1 of 4 stars; one submission).

Conditions:
Joubert syndrome. Also called: CEREBELLOPARENCHYMAL DISORDER IV; JOUBERT-BOLTSHAUSER SYNDROME; Familial aplasia of the vermis. Identifiers: Orphanet 475, MedGen C5979921, MONDO:0018772.
Meckel-Gruber syndrome. Also called: DYSENCEPHALIA SPLANCHNOCYSTICA; GRUBER SYNDROME; Dysencephalia splachnocystica. Identifiers: Orphanet 564, MedGen C0265215, MONDO:0018921.

Submission:

Labcorp Genetics (formerly Invitae), Labcorp
Classification: Pathogenic for Joubert syndrome; Meckel-Gruber syndrome. Last evaluated: 2024-06-30. Review status: criteria provided, single submitter. Criteria: Invitae Variant Classification Sherloc (09022015). Collection method: clinical testing. Allele origin: germline.
Comment: This sequence change creates a premature translational stop signal (p.Arg300Asnfs*12) in the RPGRIP1L gene. It is expected to result in an absent or disrupted protein product. Loss-of-function variants in RPGRIP1L are known to be pathogenic (PMID: 17558409). This variant is not present in population databases (gnomAD no frequency). This variant has not been reported in the literature in individuals affected with RPGRIP1L-related conditions. For these reasons, this variant has been classified as Pathogenic.

Literature cited by the submitters: PubMed 17558409.

NM_015272.5(RPGRIP1L):c.899_900del (p.Arg300fs)

Gene: RPGRIP1L (RPGRIP1 like; minus strand). Cytogenetic location: 16q12.2.
Variant type: Deletion.
Coding change: c.899_900del on transcript NM_015272.5 (MANE Select); coding-DNA positions 899 to 900, 2 bases deleted (GA; older notation c.899_900delGA).
Protein change: p.Arg300fs; shifts the reading frame from arginine 300.
Molecular consequence: frameshift variant.
Genome position (GRCh38, 1-based): chr16:53,672,999-53,673,000, TC deleted on the plus strand (GA on the coding strand, the reverse complement: RPGRIP1L is on the minus strand); deleting any 2 consecutive bases within chr16:53,672,999-53,673,001 gives the same sequence; the c. name uses the placement nearest the transcript's 3' end. VCF-style (leftmost placement, unchanged base first): chr16-53672998-TTC-T. GRCh37 (hg19) VCF-style: chr16-53706910-TTC-T.
Other names: c.899_900del, p.Arg300fs (NM_001127897.4, NM_001308334.3, NM_001330538.2); short protein forms R300fs.
Identifiers: ClinVar variation 3748411 (VCV003748411.2).